The following is an entry in ClinVar:

ClinVar aggregate classification (germline): Benign. Review status: criteria provided, multiple submitters, no conflicts (2 of 4 stars). 3 submissions from 3 submitters: Benign (3). Last evaluated 2024-01-24.

Allele frequency attached by ClinVar (database versions not stated): ESP Exome Variant Server 0.06789; gnomAD exomes 0.08790 and 0.11302; gnomAD 0.08817 and 0.09094; TOPMed 0.09691; ExAC 0.10578; 1000 Genomes Project 0.12400; 1000 Genomes Project 30x 0.12445.
gnomAD v4.1: 116,887 of 1,323,318 alleles (8.8%); highest among the groups gnomAD compares: East Asian, 24%; 6,864 homozygotes.

Submissions (3):

Unidad de Genómica Garrahan, Hospital de Pediatría Garrahan
Classification: Benign. Last evaluated: 2024-01-24. Review status: criteria provided, single submitter. Criteria: ACMG Guidelines, 2015. Collection method: clinical testing. Allele origin: germline. Affected: no. Observed: 34 variant alleles.
Comment: This variant is classified as Benign based on local population frequency. This variant was detected in 36% of patients studied by a panel of primary immunodeficiencies. Number of patients: 34. Only high quality variants are reported.

GeneDx
Classification: Benign. Last evaluated: 2018-08-19. Review status: criteria provided, single submitter. Criteria: GeneDx Variant Classification Process June 2021. Collection method: clinical testing. Allele origin: germline. Affected: yes.

Breakthrough Genomics
Classification: Benign. Review status: criteria provided, single submitter. Criteria: ACMG Guidelines, 2015. Collection method: not provided. Allele origin: germline. Inheritance: Autosomal recessive inheritance. Affected: yes.

NM_001369369.1(FOXN1):c.831-30C>T

Gene: FOXN1 (forkhead box N1; plus strand). Cytogenetic location: 17q11.2.
Variant type: single nucleotide variant.
Coding change: c.831-30C>T on transcript NM_001369369.1 (MANE Select); 30 bases into the intron before coding-DNA position 831, C replaced by T.
Molecular consequence: intron variant.
Genome position (GRCh38, 1-based): chr17:28,530,719, C>T. VCF-style: chr17-28530719-C-T. GRCh37 (hg19) VCF-style: chr17-26857737-C-T.
Other names: c.831-30C>T (NM_003593.3).
Identifiers: ClinVar variation 1239937 (VCV001239937.6), dbSNP rs12451259, ClinGen allele CA8459373.